The following is an entry in ClinVar:

NM_006828.4(ASCC3):c.5462A>G (p.Tyr1821Cys)

Gene: ASCC3 (activating signal cointegrator 1 complex subunit 3; minus strand). Cytogenetic location: 6q16.3.
Variant type: single nucleotide variant.
Coding change: c.5462A>G on transcript NM_006828.4 (MANE Select); coding-DNA position 5462, A replaced by G.
Protein change: p.Tyr1821Cys; replaces tyrosine 1821 with cysteine.
Molecular consequence: missense variant.
Genome position (GRCh38, 1-based): chr6:100,589,722, T>C on the plus strand (A>G on the coding strand, the complement: ASCC3 is on the minus strand). VCF-style: chr6-100589722-T-C. GRCh37 (hg19) VCF-style: chr6-101037598-T-C.
Other names: short protein forms Y1821C.
Identifiers: ClinVar variation 5018829 (VCV005018829.2).

ClinVar aggregate classification (germline): Uncertain significance (1 of 4 stars; one submission).

Conditions:
Intellectual developmental disorder, autosomal recessive 81 (MRT81). Identifiers: MedGen C5882758, MONDO:0958204, OMIM 620700.

gnomAD v4.1: 6 of 1,613,796 alleles (0.00037%); highest among the groups gnomAD compares: East Asian, 0.0022%; no homozygotes.

Submission:

Juno Genomics, Hangzhou Juno Genomics, Inc
Classification: Uncertain significance for Intellectual developmental disorder, autosomal recessive 81. Review status: criteria provided, single submitter. Criteria: ACMG Guidelines, 2015. Collection method: clinical testing. Allele origin: germline.
Comment: Absent from controls (or at extremely low frequency if recessive) in Genome Aggregation Database.;Missense variant in a gene that has a low rate of benign missense variation.;Multiple lines of computational evidence support a deleterious effect on the gene or gene product.